The following is an entry in ClinVar:

ClinVar aggregate classification (germline): Pathogenic (1 of 4 stars; one submission).

Conditions:
Ataxia-telangiectasia syndrome (AT). Also called: Cerebello-oculocutaneous telangiectasia; Immunodeficiency with ataxia telangiectasia; Ataxia-telangiectasia, complementation group D; AT, COMPLEMENTATION GROUP C; Ataxia-telangiectasia, complementation group E; LOUIS-BAR SYNDROME. Identifiers: Orphanet 100, MedGen C0004135, MONDO:0008840, OMIM 208900.

Submission:

Labcorp Genetics (formerly Invitae), Labcorp
Classification: Pathogenic for Ataxia-telangiectasia syndrome. Last evaluated: 2017-02-15. Review status: criteria provided, single submitter. Criteria: Invitae Variant Classification Sherloc (09022015). Collection method: clinical testing. Allele origin: germline.
Comment: This variant is a gross deletion of the genomic region encompassing exons 2-12, which includes the initiator codon, and part of exon 13 of the ATM gene. The 5' end of this event is located in intron 1 at c.-30-151 and the 3' end is located in exon 13 at c.1922. This deletion is expected to result in an absent or disrupted protein product. While this particular variant has not been reported in the literature, loss-of-function variants in ATM are known to be pathogenic (PMID: 10817650, 19781682). For these reasons, this variant has been classified as Pathogenic.

NC_000011.9:g.(?_108098171)_(108124564_?)del

Gene: ATM (ATM serine/threonine kinase; plus strand). Cytogenetic location: 11q22.3.
Variant type: Deletion.
Identifiers: ClinVar variation 453333 (VCV000453333.1).